The following is an entry in ClinVar:

ClinVar aggregate classification (germline): Uncertain significance. Review status: criteria provided, multiple submitters, no conflicts (2 of 4 stars). 2 submissions from 2 submitters: Uncertain significance (2). Last evaluated 2024-06-12.

Conditions:
Long QT syndrome (LQTS). Identifiers: MedGen C0023976, MeSH D008133, MONDO:0002442. Disease mechanism: loss of function. Inheritance: Various modes of inheritance.
Cardiovascular phenotype. Identifiers: MedGen CN230736.

Allele frequency attached by ClinVar (database versions not stated): gnomAD exomes below 0.00001; TOPMed below 0.00001.
gnomAD v4.1: 1 of 1,613,396 alleles (0.000062%); no homozygotes.

Submissions (2):

Labcorp Genetics (formerly Invitae), Labcorp
Classification: Uncertain significance for Long QT syndrome. Last evaluated: 2024-06-12. Review status: criteria provided, single submitter. Criteria: Invitae Variant Classification Sherloc (09022015). Collection method: clinical testing. Allele origin: germline.
Comment: This sequence change replaces isoleucine, which is neutral and non-polar, with valine, which is neutral and non-polar, at codon 443 of the KCNQ1 protein (p.Ile443Val). This variant is not present in population databases (gnomAD no frequency). This variant has not been reported in the literature in individuals affected with KCNQ1-related conditions. ClinVar contains an entry for this variant (Variation ID: 1018531). Advanced modeling of protein sequence and biophysical properties (such as structural, functional, and spatial information, amino acid conservation, physicochemical variation, residue mobility, and thermodynamic stability) performed at Invitae indicates that this missense variant is not expected to disrupt KCNQ1 protein function with a negative predictive value of 80%. In summary, the available evidence is currently insufficient to determine the role of this variant in disease. Therefore, it has been classified as a Variant of Uncertain Significance.

Ambry Genetics
Classification: Uncertain significance for Cardiovascular phenotype. Last evaluated: 2020-02-11. Review status: criteria provided, single submitter. Criteria: Ambry Variant Classification Scheme 2023. Collection method: clinical testing. Allele origin: germline.
Comment: The p.I443V variant (also known as c.1327A>G), located in coding exon 10 of the KCNQ1 gene, results from an A to G substitution at nucleotide position 1327. The isoleucine at codon 443 is replaced by valine, an amino acid with highly similar properties. This amino acid position is highly conserved in available vertebrate species. In addition, this alteration is predicted to be deleterious by in silico analysis. Since supporting evidence is limited at this time, the clinical significance of this alteration remains unclear.

NM_000218.3(KCNQ1):c.1327A>G (p.Ile443Val)

Gene: KCNQ1 (potassium voltage-gated channel subfamily Q member 1; plus strand). Cytogenetic location: 11p15.5.
Variant type: single nucleotide variant.
Coding change: c.1327A>G on transcript NM_000218.3 (MANE Select); coding-DNA position 1327, A replaced by G.
Protein change: p.Ile443Val; replaces isoleucine 443 with valine.
Molecular consequence: missense variant.
Genome position (GRCh38, 1-based): chr11:2,588,788, A>G. VCF-style: chr11-2588788-A-G. GRCh37 (hg19) VCF-style: chr11-2610018-A-G.
Other names: c.1231A>G, p.Ile411Val (NM_001406836.1); c.1057A>G, p.Ile353Val (NM_001406837.1); c.787A>G, p.Ile263Val (NM_001406838.1); c.946A>G, p.Ile316Val (NM_181798.2); short protein forms I316V, I443V, I353V, I411V, I263V.
Identifiers: ClinVar variation 1018531 (VCV001018531.12), dbSNP rs1848631038, ClinGen allele CA379135060.